The following is an entry in ClinVar:

NM_025137.4(SPG11):c.5648G>A (p.Gly1883Glu)

Gene: SPG11 (SPG11 vesicle trafficking associated, spatacsin; minus strand). Cytogenetic location: 15q21.1.
Variant type: single nucleotide variant.
Coding change: c.5648G>A on transcript NM_025137.4 (MANE Select); coding-DNA position 5648, G replaced by A.
Protein change: p.Gly1883Glu; replaces glycine 1883 with glutamic acid.
Molecular consequence: missense variant.
Genome position (GRCh38, 1-based): chr15:44,584,032, C>T on the plus strand (G>A on the coding strand, the complement: SPG11 is on the minus strand). VCF-style: chr15-44584032-C-T. GRCh37 (hg19) VCF-style: chr15-44876230-C-T.
Other names: c.5648G>A, p.Gly1883Glu (NM_001160227.2); short protein forms G1883E.
Identifiers: ClinVar variation 534881 (VCV000534881.10), dbSNP rs1298405606, ClinGen allele CA392221745.

ClinVar aggregate classification (germline): Uncertain significance. Review status: criteria provided, multiple submitters, no conflicts (2 of 4 stars). 4 submissions from 4 submitters: Uncertain significance (2). 2 of the submissions do not count toward it. Last evaluated 2022-08-23.

Conditions:
Inborn genetic diseases. Identifiers: MedGen C0950123, MeSH D030342.
Hereditary spastic paraplegia 11. Also called: Nakamura Osame syndrome; Autosomal recessive hereditary spastic paraplegia, mental impairment, and thin corpus callosum; Spastic paraplegia, mental retardation and thin corpus callosum; SPASTIC PARAPLEGIA, AUTOSOMAL RECESSIVE, COMPLICATED, WITH THIN CORPUS CALLOSUM; SPASTIC PARAPLEGIA, AUTOSOMAL RECESSIVE, WITH MENTAL IMPAIRMENT AND THIN CORPUS CALLOSUM; Spastic Paraplegia 11. Identifiers: Orphanet 2822, MedGen C1858479, MONDO:0011445, OMIM 604360.

Allele frequency attached by ClinVar (database versions not stated): gnomAD 0.00001; gnomAD exomes 0.00001.
gnomAD v4.1: 13 of 1,614,052 alleles (0.00081%); highest among the groups gnomAD compares: Non-Finnish European, 0.001%; no homozygotes.

Submissions (4):

Labcorp Genetics (formerly Invitae), Labcorp
Classification: Uncertain significance for Hereditary spastic paraplegia 11. Last evaluated: 2022-08-23. Review status: criteria provided, single submitter. Criteria: Invitae Variant Classification Sherloc (09022015). Collection method: clinical testing. Allele origin: germline.
Comment: This sequence change replaces glycine, which is neutral and non-polar, with glutamic acid, which is acidic and polar, at codon 1883 of the SPG11 protein (p.Gly1883Glu). This variant is present in population databases (no rsID available, gnomAD 0.003%). This variant has not been reported in the literature in individuals affected with SPG11-related conditions. ClinVar contains an entry for this variant (Variation ID: 534881). Algorithms developed to predict the effect of missense changes on protein structure and function are either unavailable or do not agree on the potential impact of this missense change (SIFT: "Deleterious"; PolyPhen-2: "Probably Damaging"; Align-GVGD: "Class C0"). In summary, the available evidence is currently insufficient to determine the role of this variant in disease. Therefore, it has been classified as a Variant of Uncertain Significance.

Ambry Genetics
Classification: Uncertain significance for Inborn genetic diseases. Last evaluated: 2020-09-02. Review status: criteria provided, single submitter. Criteria: Ambry Variant Classification Scheme 2023. Collection method: clinical testing. Allele origin: germline.
Comment: The p.G1883E variant (also known as c.5648G>A), located in coding exon 30 of the SPG11 gene, results from a G to A substitution at nucleotide position 5648. The glycine at codon 1883 is replaced by glutamic acid, an amino acid with similar properties. This amino acid position is well conserved in available vertebrate species. In addition, the in silico prediction for this alteration is inconclusive. Since supporting evidence is limited at this time, the clinical significance of this alteration remains unclear.

Clinical Genetics DNA and cytogenetics Diagnostics Lab, Erasmus MC, Erasmus Medical Center
Classification: Uncertain significance. Review status: no assertion criteria provided. Collection method: clinical testing. Allele origin: germline. Affected: yes. Study: VKGL Data-share Consensus. Not counted in ClinVar's aggregate classification.

Clinical Genetics, Academic Medical Center
Classification: Uncertain significance. Review status: no assertion criteria provided. Collection method: clinical testing. Allele origin: germline. Affected: yes. Study: VKGL Data-share Consensus. Not counted in ClinVar's aggregate classification.